The following is an entry in ClinVar:

ClinVar aggregate classification (germline): Likely benign (1 of 4 stars; one submission).

Submissions (7):

CeGaT Center for Human Genetics Tuebingen
Classification: Likely benign. Last evaluated: 2026-08-01. Review status: criteria provided, single submitter. Criteria: CeGaT Center For Human Genetics Tuebingen Variant Classification Criteria Version 2. Collection method: clinical testing. Allele origin: germline. Affected: yes. Observed: 7 variant alleles.
Comment: OGFOD1: BS2; BBS2: BS2

Dr. Peter K. Rogan Lab, Western University
No classification provided (evidence only). Condition: Familial cancer of breast. Review status: no classification provided. Collection method: in vitro. Allele origin: not applicable. Functional consequence: skipped exon. Not counted in ClinVar's aggregate classification.

Dr. Peter K. Rogan Lab, Western University
No classification provided (evidence only). Condition: Colon adenocarcinoma. Review status: no classification provided. Collection method: in vitro. Allele origin: not applicable. Functional consequence: retained intron. Not counted in ClinVar's aggregate classification.

Dr. Peter K. Rogan Lab, Western University
No classification provided (evidence only). Condition: Colon adenocarcinoma. Review status: no classification provided. Collection method: in vitro. Allele origin: not applicable. Functional consequence: skipped exon. Not counted in ClinVar's aggregate classification.

Dr. Peter K. Rogan Lab, Western University
No classification provided (evidence only). Condition: Colon adenocarcinoma. Review status: no classification provided. Collection method: in vitro. Allele origin: not applicable. Functional consequence: skipped exon. Not counted in ClinVar's aggregate classification.

Dr. Peter K. Rogan Lab, Western University
No classification provided (evidence only). Condition: Colon adenocarcinoma. Review status: no classification provided. Collection method: in vitro. Allele origin: not applicable. Functional consequence: skipped exon, retained intron. Not counted in ClinVar's aggregate classification.

Dr. Peter K. Rogan Lab, Western University
No classification provided (evidence only). Condition: Malignant tumor of esophagus. Review status: no classification provided. Collection method: in vitro. Allele origin: not applicable. Functional consequence: skipped exon. Not counted in ClinVar's aggregate classification.

NM_018233.4(OGFOD1):c.901-21_901-18del

Genes: BBS2 (Bardet-Biedl syndrome 2; minus strand), OGFOD1 (2-oxoglutarate and iron dependent oxygenase domain containing 1; plus strand). Cytogenetic location: 16q13.
Variant type: Deletion.
Coding change: c.901-21_901-18del on transcript NM_018233.4 (MANE Select); 21 bases into the intron before coding-DNA position 901 through 18 bases into the intron before coding-DNA position 901, 4 bases deleted (CTTT; older notation c.901-21_901-18delCTTT).
Molecular consequence: intron variant.
Genome position (GRCh38, 1-based): chr16:56,469,982-56,469,985, CTTT deleted; deleting any 4 consecutive bases within chr16:56,469,980-56,469,985 gives the same sequence; the c. name uses the placement nearest the transcript's 3' end. VCF-style (leftmost placement, unchanged base first): chr16-56469979-CTTCT-C. GRCh37 (hg19) VCF-style: chr16-56503891-CTTCT-C.
Other names: NC_000016.9:g.56503894_56503897del; c.736-21_736-18del (NM_001324361.1, NM_001324358.2); c.481-21_481-18del (NM_001324362.1); c.610-21_610-18del (NM_001324360.2, NM_001324359.1); c.787-21_787-18del (NM_001324363.2); c.898-21_898-18del (NM_001324357.2).
Identifiers: ClinVar variation 3341505 (VCV003341505.16).